The following is an entry in ClinVar:

NM_020911.2(PLXNA4):c.4124A>G (p.Gln1375Arg)

Gene: PLXNA4 (plexin A4; minus strand). Cytogenetic location: 7q32.3.
Variant type: single nucleotide variant.
Coding change: c.4124A>G on transcript NM_020911.2 (MANE Select); coding-DNA position 4124, A replaced by G.
Protein change: p.Gln1375Arg; replaces glutamine 1375 with arginine.
Molecular consequence: missense variant.
Genome position (GRCh38, 1-based): chr7:132,168,466, T>C on the plus strand (A>G on the coding strand, the complement: PLXNA4 is on the minus strand). VCF-style: chr7-132168466-T-C. GRCh37 (hg19) VCF-style: chr7-131853225-T-C.
Other names: c.4124A>G, p.Gln1375Arg (NM_001393897.1); short protein forms Q1375R.
Identifiers: ClinVar variation 3349056 (VCV003349056.1).

ClinVar aggregate classification (germline): Uncertain significance (0 of 4 stars; one submission).

Conditions:
PLXNA4-related disorder. Also called: PLXNA4-related condition.

gnomAD v4.1: 4 of 1,614,052 alleles (0.00025%); highest among the groups gnomAD compares: African/African-American, 0.0027%; no homozygotes.

Submission:

PreventionGenetics, part of Exact Sciences
Classification: Uncertain significance for PLXNA4-related condition. Last evaluated: 2023-12-14. Review status: no assertion criteria provided. Collection method: clinical testing. Allele origin: germline.
Comment: The PLXNA4 c.4124A>G variant is predicted to result in the amino acid substitution p.Gln1375Arg. To our knowledge, this variant has not been reported in the literature or in a large population database, indicating this variant is rare. At this time, the clinical significance of this variant is uncertain due to the absence of conclusive functional and genetic evidence.